The following is an entry in ClinVar:

NM_001009944.3(PKD1):c.3242C>T (p.Ser1081Leu)

Gene: PKD1 (polycystin 1, transient receptor potential channel interacting; minus strand). Cytogenetic location: 16p13.3.
Variant type: single nucleotide variant.
Coding change: c.3242C>T on transcript NM_001009944.3 (MANE Select); coding-DNA position 3242, C replaced by T.
Protein change: p.Ser1081Leu; replaces serine 1081 with leucine.
Molecular consequence: missense variant.
Genome position (GRCh38, 1-based): chr16:2,112,393, G>A on the plus strand (C>T on the coding strand, the complement: PKD1 is on the minus strand). VCF-style: chr16-2112393-G-A. GRCh37 (hg19) VCF-style: chr16-2162394-G-A.
Other names: c.3242C>T, p.Ser1081Leu (NM_000296.4); short protein forms S1081L.
Identifiers: ClinVar variation 433955 (VCV000433955.29), dbSNP rs377441860, ClinGen allele CA7832874.

ClinVar aggregate classification (germline): Benign/Likely benign. Review status: criteria provided, multiple submitters, no conflicts (2 of 4 stars). 4 submissions from 4 submitters: Benign (1); Likely benign (1). 2 of the submissions do not count toward it. Last evaluated 2025-10-01.

Conditions:
Polycystic kidney disease. Also called: Kidney, Polycystic; Polycystic kidney dysplasia. Identifiers: MedGen C0022680, MeSH D007690, MONDO:0020642, HP:0000113.
PKD1-related disorder. Also called: PKD1-related condition.

Allele frequency attached by ClinVar (database versions not stated): gnomAD 0.00001 and 0.00020; TOPMed 0.00003; 1000 Genomes Project 30x 0.00047; 1000 Genomes Project 0.00060; gnomAD exomes 0.00089; ExAC 0.00151.

Submissions (4):

CeGaT Center for Human Genetics Tuebingen
Classification: Benign. Last evaluated: 2025-10-01. Review status: criteria provided, single submitter. Criteria: CeGaT Center For Human Genetics Tuebingen Variant Classification Criteria Version 2. Collection method: clinical testing. Allele origin: germline. Affected: yes. Observed: 2 variant alleles.
Comment: PKD1: BP4, BS1, BS2

Blueprint Genetics
Classification: Likely benign. Last evaluated: 2024-10-15. Review status: criteria provided, single submitter. Criteria: ACMG Guidelines, 2015. Collection method: clinical testing. Allele origin: germline.

PreventionGenetics, part of Exact Sciences
Classification: Likely benign for PKD1-related condition. Last evaluated: 2022-08-29. Review status: no assertion criteria provided. Collection method: clinical testing. Allele origin: germline. Not counted in ClinVar's aggregate classification.
Comment: This variant is classified as likely benign based on ACMG/AMP sequence variant interpretation guidelines (Richards et al. 2015 PMID: 25741868, with internal and published modifications).

Department of Pathology and Laboratory Medicine, Sinai Health System
Classification: Likely benign for Polycystic Kidney disease. Review status: no assertion criteria provided. Collection method: clinical testing. Allele origin: unknown. Affected: yes. Study: The Canadian Open Genetics Repository (COGR). Not counted in ClinVar's aggregate classification.
Comment: The PKD1 p.Ser1081Leu variant was not identified in the literature. This variant was identified in dbSNP (ID: rs377441860). The variant was identified in control databases in 191 of 245730 chromosomes (1 homozygous) at a frequency of 0.0007773 increasing the likelihood this could be a low frequency benign variant (Genome Aggregation Database March 6, 2019, v2.1.1). The variant was observed in the following populations: South Asian in 184 of 28740 chromosomes (freq: 0.006402), Other in 1 of 6608 chromosomes (freq: 0.000151), East Asian in 1 of 19070 chromosomes (freq: 0.000052), European (non-Finnish) in 4 of 114806 chromosomes (freq: 0.000035), Latino in 1 of 33732 chromosomes (freq: 0.00003), but was not observed in the African, Ashkenazi Jewish, or European (Finnish) populations. We cannot be certain that data from control databases is specific to PKD1 and not from one of the six PKD1 pseudogenes. The variant was identified in ClinVar (1 submission from Mount Sinai Hospital in 2016, classified as VUS), GeneInsight COGR, MutDB, ADPKD Mutation Database, PKD1-LOVD, and PKD1-LOVD 3.0. The variant is not conserved and four out of five computational analyses (PolyPhen-2, SIFT, AlignGVGD, BLOSUM, MutationTaster) do not suggest a high likelihood of impact to the protein. In addition, the variant occurs outside of the splicing consensus sequence and in silico or computational prediction software programs (SpliceSiteFinder, MaxEntScan, NNSPLICE, GeneSplicer, HumanSpliceFinder) do not predict a difference in splicing. In summary, based on the above information, the clinical significance of this variant cannot be determined with certainty at this time, though we would lean towards a more benign role for this variant. This variant is classified as likely benign.